The following is an entry in ClinVar:

NM_015202.5(KATNIP):c.3088G>A (p.Val1030Met)

Gene: KATNIP (katanin interacting protein; plus strand). Cytogenetic location: 16p12.1.
Variant type: single nucleotide variant.
Coding change: c.3088G>A on transcript NM_015202.5 (MANE Select); coding-DNA position 3088, G replaced by A.
Protein change: p.Val1030Met; replaces valine 1030 with methionine.
Molecular consequence: missense variant.
Genome position (GRCh38, 1-based): chr16:27,750,048, G>A. VCF-style: chr16-27750048-G-A. GRCh37 (hg19) VCF-style: chr16-27761369-G-A.
Other names: c.3088G>A (NM_015202.3); short protein forms V1030M.
Identifiers: ClinVar variation 3112872 (VCV003112872.2), dbSNP rs141253001, ClinGen allele CA7978143.

ClinVar aggregate classification (germline): Uncertain significance. Review status: criteria provided, multiple submitters, no conflicts (2 of 4 stars). 2 submissions from 2 submitters: Uncertain significance (2). Last evaluated 2024-05-14.

Allele frequency attached by ClinVar (database versions not stated): gnomAD exomes 0.00002; ExAC 0.00004; TOPMed 0.00007; ESP Exome Variant Server 0.00008; gnomAD 0.00008; 1000 Genomes Project 30x 0.00016; 1000 Genomes Project 0.00020.
gnomAD v4.1: 37 of 1,614,160 alleles (0.0023%); highest among the groups gnomAD compares: African/African-American, 0.023%; no homozygotes.

Submissions (2):

GeneDx
Classification: Uncertain significance. Last evaluated: 2024-05-14. Review status: criteria provided, single submitter. Criteria: GeneDx Variant Classification Process June 2021. Collection method: clinical testing. Allele origin: germline. Affected: yes.
Comment: In silico analysis indicates that this missense variant does not alter protein structure/function; Has not been previously published as pathogenic or benign to our knowledge

Ambry Genetics
Classification: Uncertain significance. Last evaluated: 2023-12-20. Review status: criteria provided, single submitter. Criteria: Ambry Variant Classification Scheme 2023. Collection method: clinical testing. Allele origin: germline.